The following is an entry in ClinVar:

ClinVar aggregate classification (germline): Likely pathogenic (1 of 4 stars; one submission).

Submission:

Labcorp Genetics (formerly Invitae), Labcorp
Classification: Likely pathogenic. Last evaluated: 2024-08-07. Review status: criteria provided, single submitter. Criteria: Invitae Variant Classification Sherloc (09022015). Collection method: clinical testing. Allele origin: germline.
Comment: This sequence change affects a donor splice site in intron 20 of the POLE gene. It is expected to disrupt RNA splicing. Variants that disrupt the donor or acceptor splice site typically lead to a loss of protein function (PMID: 16199547), and loss-of-function variants in POLE are known to be pathogenic (PMID: 23230001, 25948378, 30503519). This variant is not present in population databases (gnomAD no frequency). This variant has not been reported in the literature in individuals affected with POLE-related conditions. Algorithms developed to predict the effect of sequence changes on RNA splicing suggest that this variant may disrupt the consensus splice site. In summary, the currently available evidence indicates that the variant is pathogenic, but additional data are needed to prove that conclusively. Therefore, this variant has been classified as Likely Pathogenic.

Literature cited by the submitters: PubMed 16199547; PubMed 23230001; PubMed 25948378; PubMed 30503519.

NM_006231.4(POLE):c.2319+1G>A

Gene: POLE (DNA polymerase epsilon, catalytic subunit; minus strand). Cytogenetic location: 12q24.33.
Variant type: single nucleotide variant.
Coding change: c.2319+1G>A on transcript NM_006231.4 (MANE Select); the canonical splice donor site of the intron after coding-DNA position 2319, G replaced by A.
Molecular consequence: splice donor variant.
Genome position (GRCh38, 1-based): chr12:132,667,502, C>T on the plus strand (G>A on the coding strand, the complement: POLE is on the minus strand). VCF-style: chr12-132667502-C-T. GRCh37 (hg19) VCF-style: chr12-133244088-C-T.
Identifiers: ClinVar variation 3679078 (VCV003679078.2).
Genomic context (GRCh38, chr12:132,667,502, plus strand): 5'-TTCATGAGCCGACTGAAACTGCCCTCACAGAGGCCAAAGCTTGCAGCCCCTCAGAGCTCA[C>T]CTTGTGGAGCCCTTTGAACTCGTAACGCCTGTCCCGGAAGGCACGCACGGTGTCCACGTA-3'